The following is an entry in ClinVar:

NM_024422.6(DSC2):c.2612G>T (p.Cys871Phe)

Gene: DSC2 (desmocollin 2; minus strand). Cytogenetic location: 18q12.1.
Variant type: single nucleotide variant.
Coding change: c.2612G>T on transcript NM_024422.6 (MANE Select); coding-DNA position 2612, G replaced by T.
Protein change: p.Cys871Phe; replaces cysteine 871 with phenylalanine.
Molecular consequence: missense variant. On other transcripts: 3 prime UTR variant (2).
Genome position (GRCh38, 1-based): chr18:31,068,109, C>A on the plus strand (G>T on the coding strand, the complement: DSC2 is on the minus strand). VCF-style: chr18-31068109-C-A. GRCh37 (hg19) VCF-style: chr18-28648075-C-A.
Other names: c.2183G>T, p.Cys728Phe (NM_001406506.1); c.*114G>T (NM_001406507.1, NM_004949.5); short protein forms C728F, C871F.
Identifiers: ClinVar variation 5035588 (VCV005035588.1).

ClinVar aggregate classification (germline): Uncertain significance (1 of 4 stars; one submission).

Conditions:
Cardiovascular phenotype. Identifiers: MedGen CN230736.

gnomAD v4.1: 1 of 1,614,062 alleles (0.000062%); highest among the groups gnomAD compares: Non-Finnish European, 0.000085%; no homozygotes.

Submission:

Ambry Genetics
Classification: Uncertain significance for Cardiovascular phenotype. Last evaluated: 2026-07-06. Review status: criteria provided, single submitter. Criteria: Ambry Variant Classification Scheme 2023. Collection method: clinical testing. Allele origin: germline.
Comment: The p.C871F variant (also known as c.2612G>T), located in coding exon 16 of the DSC2 gene, results from a G to T substitution at nucleotide position 2612. The cysteine at codon 871 is replaced by phenylalanine, an amino acid with highly dissimilar properties. This amino acid position is conserved. In addition, this alteration is predicted to be deleterious by in silico analysis. Based on the available evidence, the clinical significance of this variant remains unclear.